The following is an entry in ClinVar:

ClinVar aggregate classification (germline): Uncertain significance. Review status: criteria provided, multiple submitters, no conflicts (2 of 4 stars). 3 submissions from 3 submitters: Uncertain significance (3). Last evaluated 2026-01-05.

Conditions:
TOP3A-related disorder. Also called: TOP3A-related disorders; TOP3A-related condition.
Inborn genetic diseases. Identifiers: MedGen C0950123, MeSH D030342.

Allele frequency attached by ClinVar (database versions not stated): ExAC 0.00027; gnomAD exomes 0.00031; TOPMed 0.00040; gnomAD 0.00042; ESP Exome Variant Server 0.00062.
gnomAD v4.1: 1,219 of 1,614,028 alleles (0.076%); highest among the groups gnomAD compares: Non-Finnish European, 0.099%; no homozygotes.

Submissions (3):

Labcorp Genetics (formerly Invitae), Labcorp
Classification: Uncertain significance. Last evaluated: 2026-01-05. Review status: criteria provided, single submitter. Criteria: Invitae Variant Classification Sherloc (09022015). Collection method: clinical testing. Allele origin: germline.
Comment: This sequence change replaces arginine, which is basic and polar, with lysine, which is basic and polar, at codon 341 of the TOP3A protein (p.Arg341Lys). This variant is present in population databases (rs149870245, gnomAD 0.06%). This variant has not been reported in the literature in individuals affected with TOP3A-related conditions. ClinVar contains an entry for this variant (Variation ID: 1494727). An algorithm developed to predict the effect of missense changes on protein structure and function outputs the following: PolyPhen-2: "Benign". The lysine amino acid residue is found in multiple mammalian species, which suggests that this missense change does not adversely affect protein function. In summary, the available evidence is currently insufficient to determine the role of this variant in disease. Therefore, it has been classified as a Variant of Uncertain Significance.

PreventionGenetics, part of Exact Sciences
Classification: Uncertain significance for TOP3A-related condition. Last evaluated: 2025-12-03. Review status: criteria provided, single submitter. Criteria: ACMG Guidelines, 2015. Collection method: clinical testing. Allele origin: germline.
Comment: The TOP3A c.1022G>A variant is predicted to result in the amino acid substitution p.Arg341Lys. To our knowledge, this variant has not been reported in the literature. This variant is reported in 0.059% of alleles in individuals of European (Non-Finnish) descent in gnomAD. Although we suspect that this variant may be benign, at this time, the clinical significance of this variant is uncertain due to the absence of conclusive functional and genetic evidence.

Ambry Genetics
Classification: Uncertain significance for Inborn genetic diseases. Last evaluated: 2021-09-16. Review status: criteria provided, single submitter. Criteria: Ambry Variant Classification Scheme 2023. Collection method: clinical testing. Allele origin: germline.

NM_004618.5(TOP3A):c.1022G>A (p.Arg341Lys)

Gene: TOP3A (DNA topoisomerase III alpha; minus strand). Cytogenetic location: 17p11.2.
Variant type: single nucleotide variant.
Coding change: c.1022G>A on transcript NM_004618.5 (MANE Select); coding-DNA position 1022, G replaced by A.
Protein change: p.Arg341Lys; replaces arginine 341 with lysine.
Molecular consequence: missense variant.
Genome position (GRCh38, 1-based): chr17:18,294,754, C>T on the plus strand (G>A on the coding strand, the complement: TOP3A is on the minus strand). VCF-style: chr17-18294754-C-T. GRCh37 (hg19) VCF-style: chr17-18198068-C-T.
Other names: c.1022G>A (NM_004618.3, NM_004618.4); c.737G>A, p.Arg246Lys (NM_001320759.2); short protein forms R246K, R341K.
Identifiers: ClinVar variation 1494727 (VCV001494727.6), dbSNP rs149870245, ClinGen allele CA8430024.